The following is an entry in ClinVar:

ClinVar aggregate classification (germline): Uncertain significance (1 of 4 stars; one submission).

Conditions:
Epilepsy. Also called: Seizure disorder. Identifiers: MedGen C0014544, MeSH D004827, MONDO:0005027.

Allele frequency attached by ClinVar (database versions not stated): gnomAD exomes below 0.00001.
gnomAD v4.1: 5 of 1,574,290 alleles (0.00032%); highest among the groups gnomAD compares: Non-Finnish European, 0.00035%; no homozygotes.

Submission:

Labcorp Genetics (formerly Invitae), Labcorp
Classification: Uncertain significance for Epilepsy. Last evaluated: 2022-07-27. Review status: criteria provided, single submitter. Criteria: Invitae Variant Classification Sherloc (09022015). Collection method: clinical testing. Allele origin: germline.
Comment: Algorithms developed to predict the effect of missense changes on protein structure and function are either unavailable or do not agree on the potential impact of this missense change (SIFT: "Tolerated"; PolyPhen-2: "Probably Damaging"; Align-GVGD: "Class C0"). In summary, the available evidence is currently insufficient to determine the role of this variant in disease. Therefore, it has been classified as a Variant of Uncertain Significance. This variant has not been reported in the literature in individuals affected with PIGQ-related conditions. This variant is not present in population databases (gnomAD no frequency). This sequence change replaces serine, which is neutral and polar, with phenylalanine, which is neutral and non-polar, at codon 245 of the PIGQ protein (p.Ser245Phe).

NM_004204.5(PIGQ):c.734C>T (p.Ser245Phe)

Gene: PIGQ (phosphatidylinositol glycan anchor biosynthesis class Q; plus strand). Cytogenetic location: 16p13.3.
Variant type: single nucleotide variant.
Coding change: c.734C>T on transcript NM_004204.5 (MANE Select); coding-DNA position 734, C replaced by T.
Protein change: p.Ser245Phe; replaces serine 245 with phenylalanine.
Molecular consequence: missense variant.
Genome position (GRCh38, 1-based): chr16:575,883, C>T. VCF-style: chr16-575883-C-T. GRCh37 (hg19) VCF-style: chr16-625883-C-T.
Other names: c.734C>T, p.Ser245Phe (NM_148920.4); short protein forms S245F.
Identifiers: ClinVar variation 1713920 (VCV001713920.5), dbSNP rs777701657, ClinGen allele CA7779960.